The following is an entry in ClinVar:

ClinVar aggregate classification (germline): Likely benign (1 of 4 stars; one submission).

Conditions:
UBA2-related disorder.

Submission:

PreventionGenetics, part of Exact Sciences
Classification: Likely benign for UBA2-related condition. Last evaluated: 2026-01-12. Review status: criteria provided, single submitter. Criteria: ACMG Guidelines, 2015. Collection method: clinical testing. Allele origin: germline.
Comment: This variant is classified as likely benign based on ACMG/AMP sequence variant interpretation guidelines (Richards et al. 2015 PMID: 25741868, with internal and published modifications).

NM_005499.3(UBA2):c.1133-6del

Gene: UBA2 (ubiquitin like modifier activating enzyme 2; plus strand). Cytogenetic location: 19q13.11.
Variant type: Deletion.
Coding change: c.1133-6del on transcript NM_005499.3 (MANE Select); 6 bases into the intron before coding-DNA position 1133, one base deleted (T; older notation c.1133-6delT).
Molecular consequence: intron variant.
Genome position (GRCh38, 1-based): chr19:34,454,438, T deleted; the last of 12 consecutive T bases (chr19:34,454,427-34,454,438); deleting any one gives the same sequence. VCF-style (leftmost placement, unchanged base first): chr19-34454426-CT-C. GRCh37 (hg19) VCF-style: chr19-34945331-CT-C.
Other names: c.845-6del (NM_001411139.1).
Identifiers: ClinVar variation 4990627 (VCV004990627.1).